The following is an entry in ClinVar:

ClinVar aggregate classification (germline): Uncertain significance. Review status: criteria provided, multiple submitters, no conflicts (2 of 4 stars). 3 submissions from 3 submitters: Uncertain significance (3). Last evaluated 2025-12-01.

Conditions:
Epidermolysis bullosa simplex with nail dystrophy (EBS5D). Identifiers: MedGen C4225309, MONDO:0014661, OMIM 616487.
Epidermolysis bullosa simplex 5C, with pyloric atresia (EBS5C). Also called: PLEC-Related Epidermolysis Bullosa with Pyloric Atresia; Epidermolysis bullosa simplex with pyloric atresia; PLEC1-Related Epidermolysis Bullosa with Pyloric Atresia. Identifiers: Orphanet 158684, MedGen C2677349, MONDO:0012807, OMIM 612138.
Autosomal recessive limb-girdle muscular dystrophy type 2Q (LGMDR17). Also called: MUSCULAR DYSTROPHY, LIMB-GIRDLE, AUTOSOMAL RECESSIVE 17. Identifiers: Orphanet 254361, MedGen C3150989, MONDO:0013390, OMIM 613723.
Epidermolysis bullosa simplex 5B, with muscular dystrophy (EBS5B). Also called: EPIDERMOLYSIS BULLOSA SIMPLEX AND LIMB-GIRDLE MUSCULAR DYSTROPHY; Epidermolysis bullosa simplex with muscular dystrophy. Identifiers: Orphanet 257, MedGen C2931072, MONDO:0009181, OMIM 226670.
Epidermolysis bullosa simplex, Ogna type (EBS5A). Also called: Pidermolysis bullosa simplex 5A, Ogna type; EPIDERMOLYSIS BULLOSA SIMPLEX 5A, OGNA TYPE. Identifiers: Orphanet 79401, MedGen C0432317, MONDO:0007555, OMIM 131950.

Allele frequency attached by ClinVar (database versions not stated): gnomAD exomes below 0.00001 and 0.00001.

Submissions (3):

Labcorp Genetics (formerly Invitae), Labcorp
Classification: Uncertain significance for Autosomal recessive limb-girdle muscular dystrophy type 2Q; Epidermolysis bullosa simplex, Ogna type; Epidermolysis bullosa simplex with nail dystrophy; Epidermolysis bullosa simplex 5C, with pyloric atresia; Epidermolysis bullosa simplex 5B, with muscular dystrophy. Last evaluated: 2025-12-01. Review status: criteria provided, single submitter. Criteria: Invitae Variant Classification Sherloc (09022015). Collection method: clinical testing. Allele origin: germline.
Comment: This sequence change replaces valine, which is neutral and non-polar, with isoleucine, which is neutral and non-polar, at codon 450 of the PLEC protein (p.Val450Ile). The frequency data for this variant in the population databases is considered unreliable, as metrics indicate poor data quality at this position in the gnomAD database. This variant has not been reported in the literature in individuals affected with PLEC-related conditions. ClinVar contains an entry for this variant (Variation ID: 282822). An algorithm developed to predict the effect of missense changes on protein structure and function outputs the following: PolyPhen-2: "Not Available". The isoleucine amino acid residue is found in multiple mammalian species, which suggests that this missense change does not adversely affect protein function. In summary, the available evidence is currently insufficient to determine the role of this variant in disease. Therefore, it has been classified as a Variant of Uncertain Significance.

Mayo Clinic Laboratories, Mayo Clinic
Classification: Uncertain significance. Last evaluated: 2025-10-09. Review status: criteria provided, single submitter. Criteria: ACMG Guidelines, 2015. Collection method: clinical testing. Allele origin: germline. Observed: 1 variant allele.
Comment: BP4, PM2_supporting

Eurofins Ntd Llc (ga)
Classification: Uncertain significance. Last evaluated: 2015-10-06. Review status: criteria provided, single submitter. Criteria: EGL Classification Definitions 2015. Collection method: clinical testing. Allele origin: germline. Observed: 1 variant allele, 1 heterozygote.

NM_201384.3(PLEC):c.1267G>A (p.Val423Ile)

Gene: PLEC (plectin; minus strand). Cytogenetic location: 8q24.3.
Variant type: single nucleotide variant.
Coding change: c.1267G>A on transcript NM_201384.3 (MANE Select); coding-DNA position 1267, G replaced by A.
Protein change: p.Val423Ile; replaces valine 423 with isoleucine.
Molecular consequence: missense variant.
Genome position (GRCh38, 1-based): chr8:143,933,348, C>T on the plus strand (G>A on the coding strand, the complement: PLEC is on the minus strand). VCF-style: chr8-143933348-C-T. GRCh37 (hg19) VCF-style: chr8-145007516-C-T.
Other names: p.Val450Ile; c.1348G>A, p.Val450Ile (NM_000445.5); c.1225G>A, p.Val409Ile (NM_201378.4); c.1201G>A, p.Val401Ile (NM_201379.3); c.1678G>A, p.Val560Ile (NM_201380.4); c.1171G>A, p.Val391Ile (NM_201381.3); c.1267G>A, p.Val423Ile (NM_201382.4); c.1279G>A, p.Val427Ile (NM_201383.3); short protein forms V409I, V423I, V391I, V450I, V560I, V401I, V427I.
Identifiers: ClinVar variation 282822 (VCV000282822.7), dbSNP rs886044799, ClinGen allele CA10604310.